The following is an entry in ClinVar:

NM_138295.5(PKD1L1):c.1229-16A>G

Gene: PKD1L1 (polycystin 1 like 1, transient receptor potential channel interacting; minus strand). Cytogenetic location: 7p12.3.
Variant type: single nucleotide variant.
Coding change: c.1229-16A>G on transcript NM_138295.5 (MANE Select); 16 bases into the intron before coding-DNA position 1229, A replaced by G.
Molecular consequence: intron variant.
Genome position (GRCh38, 1-based): chr7:47,908,266, T>C on the plus strand (A>G on the coding strand, the complement: PKD1L1 is on the minus strand). VCF-style: chr7-47908266-T-C. GRCh37 (hg19) VCF-style: chr7-47947863-T-C.
Other names: c.1229-16A>G (NM_138295.3).
Identifiers: ClinVar variation 1282078 (VCV001282078.12), dbSNP rs1474283, ClinGen allele CA4254119.

ClinVar aggregate classification (germline): Benign. Review status: criteria provided, multiple submitters, no conflicts (2 of 4 stars). 6 submissions from 6 submitters: Benign (5). 1 of the submissions does not count toward it. Last evaluated 2026-02-03.

Conditions:
PKD1L1-related disorder. Also called: PKD1L1-related condition.
Heterotaxy, visceral, 8, autosomal (HTX8). Identifiers: MedGen C4310668, MONDO:0014967, OMIM 617205.

Allele frequency attached by ClinVar (database versions not stated): gnomAD exomes 0.63687 and 0.66539; ExAC 0.66707; ESP Exome Variant Server 0.70852; gnomAD 0.71341 and 0.71820; TOPMed 0.72101; 1000 Genomes Project 0.73403; 1000 Genomes Project 30x 0.73766.
gnomAD v4.1: 1,034,000 of 1,604,010 alleles (64%); highest among the groups gnomAD compares: African/African-American, 89%; 337,276 homozygotes.

Submissions (6):

Labcorp Genetics (formerly Invitae), Labcorp
Classification: Benign. Last evaluated: 2026-02-03. Review status: criteria provided, single submitter. Criteria: Invitae Variant Classification Sherloc (09022015). Collection method: clinical testing. Allele origin: germline.

Blueprint Genetics
Classification: Benign. Last evaluated: 2024-11-27. Review status: criteria provided, single submitter. Criteria: ACMG Guidelines, 2015. Collection method: clinical testing. Allele origin: germline.

Genome-Nilou Lab
Classification: Benign for Heterotaxy, visceral, 8, autosomal. Last evaluated: 2021-09-05. Review status: criteria provided, single submitter. Criteria: ACMG Guidelines, 2015. Collection method: clinical testing. Allele origin: germline. Affected: no.

GeneDx
Classification: Benign. Last evaluated: 2018-11-12. Review status: criteria provided, single submitter. Criteria: GeneDx Variant Classification Process June 2021. Collection method: clinical testing. Allele origin: germline. Affected: yes.

Breakthrough Genomics
Classification: Benign. Review status: criteria provided, single submitter. Criteria: ACMG Guidelines, 2015. Collection method: not provided. Allele origin: germline. Inheritance: Autosomal recessive inheritance. Affected: yes.

PreventionGenetics, part of Exact Sciences
Classification: Benign for PKD1L1-related condition. Last evaluated: 2023-01-11. Review status: no assertion criteria provided. Collection method: clinical testing. Allele origin: germline. Not counted in ClinVar's aggregate classification.
Comment: This variant is classified as benign based on ACMG/AMP sequence variant interpretation guidelines (Richards et al. 2015 PMID: 25741868, with internal and published modifications).